The following is an entry in ClinVar:

ClinVar aggregate classification (germline): Benign/Likely benign. Review status: criteria provided, multiple submitters, no conflicts (2 of 4 stars). 4 submissions from 4 submitters: Benign (1); Likely benign (3). Last evaluated 2024-09-19.

Conditions:
Hereditary cancer-predisposing syndrome. Also called: Tumor predisposition; Hereditary Cancer Syndrome; Hereditary neoplastic syndrome; Neoplastic Syndromes, Hereditary. Identifiers: Orphanet 140162, MedGen C0027672, MeSH D009386, MONDO:0015356.
Hereditary diffuse gastric adenocarcinoma (HDGC). Also called: DIFFUSE GASTRIC AND LOBULAR BREAST CANCER SYNDROME. Identifiers: Orphanet 26106, MedGen C1708349, MONDO:0007648, OMIM 137215.

gnomAD v4.1: 1 of 1,614,246 alleles (0.000062%); highest among the groups gnomAD compares: Non-Finnish European, 0.000085%; no homozygotes.

Submissions (4):

Myriad Genetics, Inc.
Classification: Benign for Hereditary diffuse gastric adenocarcinoma. Last evaluated: 2024-09-19. Review status: criteria provided, single submitter. Criteria: Myriad Autosomal Dominant, Autosomal Recessive and X-Linked Classification Criteria (2023). Collection method: clinical testing. Allele origin: unknown.
Comment: This variant is considered benign. This variant is a silent/synonymous amino acid change and it is not expected to impact splicing.

Labcorp Genetics (formerly Invitae), Labcorp
Classification: Likely benign for Hereditary diffuse gastric adenocarcinoma. Last evaluated: 2023-04-13. Review status: criteria provided, single submitter. Criteria: Invitae Variant Classification Sherloc (09022015). Collection method: clinical testing. Allele origin: germline.

Color Diagnostics, LLC DBA Color Health
Classification: Likely benign for Hereditary cancer-predisposing syndrome. Last evaluated: 2019-07-30. Review status: criteria provided, single submitter. Criteria: ACMG Guidelines, 2015. Collection method: clinical testing. Allele origin: germline.

Ambry Genetics
Classification: Likely benign for Hereditary cancer-predisposing syndrome. Last evaluated: 2019-01-25. Review status: criteria provided, single submitter. Criteria: Ambry Variant Classification Scheme 2023. Collection method: clinical testing. Allele origin: germline.

NM_004360.5(CDH1):c.1524C>T (p.Tyr508=)

Gene: CDH1 (cadherin 1; plus strand). Cytogenetic location: 16q22.1.
Variant type: single nucleotide variant.
Coding change: c.1524C>T on transcript NM_004360.5 (MANE Select); coding-DNA position 1524, C replaced by T.
Protein change: p.Tyr508=; no amino-acid change (tyrosine 508 retained).
Molecular consequence: synonymous variant. On other transcripts: 5 prime UTR variant (2).
Genome position (GRCh38, 1-based): chr16:68,815,718, C>T. VCF-style: chr16-68815718-C-T. GRCh37 (hg19) VCF-style: chr16-68849621-C-T.
Other names: c.1524C>T (LRG_301t1); c.1341C>T, p.Tyr447= (NM_001317184.2); c.-25C>T (NM_001317185.2); c.-296C>T (NM_001317186.2).
Identifiers: ClinVar variation 184150 (VCV000184150.17), dbSNP rs786201302, ClinGen allele CA187989.
Genomic context (GRCh38, chr16:68,815,718, plus strand): 5'-TCCTGAAAAGAGAGTGGAAGTGTCCGAGGACTTTGGCGTGGGCCAGGAAATCACATCCTA[C>T]ACTGCCCAGGAGCCAGACACATTTATGGAACAGAAAATAACGTAAGTGTGAGGATTTTTC-3'
Protein context (NP_004351.1, residues 498-518): DFGVGQEITS[Tyr508=]TAQEPDTFME